The following is an entry in ClinVar:

ClinVar aggregate classification (germline): Uncertain significance (1 of 4 stars; one submission).

Conditions:
Congenital sensory neuropathy with selective loss of small myelinated fibers (HSAN5). Also called: HSAN Type V. Identifiers: Orphanet 64752, MedGen C0020075, MONDO:0012092, OMIM 608654.

Allele frequency attached by ClinVar (database versions not stated): gnomAD exomes below 0.00001 and 0.00001; ExAC 0.00001; gnomAD 0.00001; TOPMed 0.00001; ESP Exome Variant Server 0.00008.
gnomAD v4.1: 4 of 1,613,974 alleles (0.00025%); highest among the groups gnomAD compares: Non-Finnish European, 0.00034%; no homozygotes.

Submission:

Labcorp Genetics (formerly Invitae), Labcorp
Classification: Uncertain significance for Congenital sensory neuropathy with selective loss of small myelinated fibers. Last evaluated: 2025-11-17. Review status: criteria provided, single submitter. Criteria: Invitae Variant Classification Sherloc (09022015). Collection method: clinical testing. Allele origin: germline.
Comment: This sequence change replaces phenylalanine, which is neutral and non-polar, with leucine, which is neutral and non-polar, at codon 170 of the NGF protein (p.Phe170Leu). This variant is present in population databases (rs139541754, gnomAD 0.0009%). This variant has not been reported in the literature in individuals affected with NGF-related conditions. ClinVar contains an entry for this variant (Variation ID: 641867). Invitae Evidence Modeling of protein sequence and biophysical properties (such as structural, functional, and spatial information, amino acid conservation, physicochemical variation, residue mobility, and thermodynamic stability) indicates that this missense variant is not expected to disrupt NGF protein function with a negative predictive value of 80%. In summary, the available evidence is currently insufficient to determine the role of this variant in disease. Therefore, it has been classified as a Variant of Uncertain Significance.

NM_002506.3(NGF):c.508T>C (p.Phe170Leu)

Genes: NGF (nerve growth factor; minus strand), NGF-AS1 (NGF antisense RNA 1; plus strand). Cytogenetic location: 1p13.2.
Variant type: single nucleotide variant.
Coding change: c.508T>C on transcript NM_002506.3 (MANE Select); coding-DNA position 508, T replaced by C.
Protein change: p.Phe170Leu; replaces phenylalanine 170 with leucine.
Molecular consequence: missense variant.
Genome position (GRCh38, 1-based): chr1:115,286,288, A>G on the plus strand (T>C on the coding strand, the complement: NGF is on the minus strand). VCF-style: chr1-115286288-A-G. GRCh37 (hg19) VCF-style: chr1-115828909-A-G.
Other names: short protein forms F170L.
Identifiers: ClinVar variation 641867 (VCV000641867.8), dbSNP rs139541754, ClinGen allele CA1022960.